The following is an entry in ClinVar:

ClinVar aggregate classification (germline): Likely pathogenic (1 of 4 stars; one submission).

Conditions:
Hereditary factor IX deficiency disease (HEMB). Also called: PLASMA THROMBOPLASTIN COMPONENT DEFICIENCY; Hemophilia B; F9 DEFICIENCY; FACTOR IX DEFICIENCY; Christmas Disease. Identifiers: Orphanet 98879, MedGen C0008533, MeSH D002836, MONDO:0010604, OMIM 306900.

Submission:

North West Genomic Laboratory Hub, Manchester University NHS Foundation Trust
Classification: Likely pathogenic for Factor IX deficiency. Last evaluated: 2024-09-20. Review status: criteria provided, single submitter. Criteria: ACGS Best Practice Guidelines for Variant Classification in Rare Disease 2020. Collection method: clinical testing. Allele origin: germline. Affected: yes.
Comment: PS4_Mod PM2_Mod PP4_Mod

NM_000133.4(F9):c.574G>C (p.Ala192Pro)

Gene: F9 (coagulation factor IX; plus strand). Cytogenetic location: Xq27.1.
Variant type: single nucleotide variant.
Coding change: c.574G>C on transcript NM_000133.4 (MANE Select); coding-DNA position 574, G replaced by C.
Protein change: p.Ala192Pro; replaces alanine 192 with proline.
Molecular consequence: missense variant.
Genome position (GRCh38, 1-based): chrX:139,551,115, G>C. VCF-style: chrX-139551115-G-C. GRCh37 (hg19) VCF-style: chrX-138633274-G-C.
Other names: c.460G>C, p.Ala154Pro (NM_001313913.2); short protein forms A154P, A192P.
Identifiers: ClinVar variation 4852398 (VCV004852398.1).
Genomic context (GRCh38, chrX:139,551,115, plus strand): 5'-TTTCTAGTGCCATTTCCATGTGGAAGAGTTTCTGTTTCACAAACTTCTAAGCTCACCCGT[G>C]CTGAGACTGTTTTTCCTGATGTGGACTATGTAAATTCTACTGAAGCTGAAACCATTTTGG-3'
Protein context (NP_000124.1, residues 182-202): SVSQTSKLTR[Ala192Pro]ETVFPDVDYV